The following is an entry in ClinVar:

ClinVar aggregate classification (germline): Benign/Likely benign. Review status: criteria provided, multiple submitters, no conflicts (2 of 4 stars). 6 submissions from 6 submitters: Benign (2); Likely benign (4). Last evaluated 2026-01-04.

Conditions:
Hereditary cancer-predisposing syndrome. Also called: Hereditary neoplastic syndrome; Hereditary Cancer Syndrome; Neoplastic Syndromes, Hereditary; Tumor predisposition. Identifiers: Orphanet 140162, MedGen C0027672, MeSH D009386, MONDO:0015356.
Fanconi anemia (FA). Also called: Fanconi's anemia. Identifiers: Orphanet 84, MedGen C0015625, MeSH D005199, MONDO:0019391.
Inborn genetic diseases. Identifiers: MedGen C0950123, MeSH D030342.

Allele frequency attached by ClinVar (database versions not stated): 1000 Genomes Project 30x 0.00016; 1000 Genomes Project 0.00020.
gnomAD v4.1: 68 of 1,613,680 alleles (0.0042%); highest among the groups gnomAD compares: East Asian, 0.14%; no homozygotes.

Submissions (7):

Labcorp Genetics (formerly Invitae), Labcorp
Classification: Benign for Fanconi anemia. Last evaluated: 2026-01-04. Review status: criteria provided, single submitter. Criteria: Invitae Variant Classification Sherloc (09022015). Collection method: clinical testing. Allele origin: germline.

Ambry Genetics
Classification: Likely benign for Inborn genetic diseases. Last evaluated: 2024-11-26. Review status: criteria provided, single submitter. Criteria: Ambry Variant Classification Scheme 2023. Collection method: clinical testing. Allele origin: germline.

Blueprint Genetics
Classification: Likely benign. Last evaluated: 2023-12-27. Review status: criteria provided, single submitter. Criteria: ACMG Guidelines, 2015. Collection method: clinical testing. Allele origin: germline.

Quest Diagnostics Nichols Institute San Juan Capistrano
Classification: Benign. Last evaluated: 2023-02-10. Review status: criteria provided, single submitter. Criteria: Quest Diagnostics criteria. Collection method: clinical testing. Allele origin: unknown.

CeGaT Center for Human Genetics Tuebingen
Classification: Likely benign. Last evaluated: 2022-03-01. Review status: criteria provided, single submitter. Criteria: CeGaT Center For Human Genetics Tuebingen Variant Classification Criteria Version 2. Collection method: clinical testing. Allele origin: germline. Affected: yes. Observed: 1 variant allele.
Comment: FANCM: BP4, BP7

Sema4
Classification: Likely benign for Hereditary cancer-predisposing syndrome. Last evaluated: 2021-10-12. Review status: criteria provided, single submitter. Criteria: Sema4 Curation Guidelines. Collection method: curation. Allele origin: germline.

Dr. Peter K. Rogan Lab, Western University
No classification provided (evidence only). Condition: Sarcoma. Review status: no classification provided. Collection method: in vitro. Allele origin: not applicable. Functional consequence: retained intron. Not counted in ClinVar's aggregate classification.

NM_020937.4(FANCM):c.876G>T (p.Pro292=)

Gene: FANCM (FA complementation group M; plus strand). Cytogenetic location: 14q21.2.
Variant type: single nucleotide variant.
Coding change: c.876G>T on transcript NM_020937.4 (MANE Select); coding-DNA position 876, G replaced by T.
Protein change: p.Pro292=; no amino-acid change (proline 292 retained).
Molecular consequence: synonymous variant.
Genome position (GRCh38, 1-based): chr14:45,148,953, G>T. VCF-style: chr14-45148953-G-T. GRCh37 (hg19) VCF-style: chr14-45618156-G-T.
Other names: c.876G>T (NM_020937.3); c.798G>T, p.Pro266= (NM_001308133.2); c.876G>T, p.Pro292= (NM_001308134.2).
Identifiers: ClinVar variation 1167506 (VCV001167506.38), dbSNP rs150757891, ClinGen allele CA7168870.